The following is an entry in ClinVar:

NM_018082.6(POLR3B):c.1857-3C>G

Gene: POLR3B (RNA polymerase III subunit B; plus strand). Cytogenetic location: 12q23.3.
Variant type: single nucleotide variant.
Coding change: c.1857-3C>G on transcript NM_018082.6 (MANE Select); 3 bases into the intron before coding-DNA position 1857, C replaced by G.
Molecular consequence: intron variant.
Genome position (GRCh38, 1-based): chr12:106,437,678, C>G. VCF-style: chr12-106437678-C-G. GRCh37 (hg19) VCF-style: chr12-106831456-C-G.
Other names: c.1683-3C>G (NM_001160708.2).
Identifiers: ClinVar variation 2005415 (VCV002005415.4), dbSNP rs1382233377, ClinGen allele CA2580085803.

ClinVar aggregate classification (germline): Uncertain significance (1 of 4 stars; one submission).

Submission:

Labcorp Genetics (formerly Invitae), Labcorp
Classification: Uncertain significance. Last evaluated: 2023-07-17. Review status: criteria provided, single submitter. Criteria: Invitae Variant Classification Sherloc (09022015). Collection method: clinical testing. Allele origin: germline.
Comment: This variant is not present in population databases (gnomAD no frequency). In summary, the available evidence is currently insufficient to determine the role of this variant in disease. Therefore, it has been classified as a Variant of Uncertain Significance. Variants that disrupt the consensus splice site are a relatively common cause of aberrant splicing (PMID: 17576681, 9536098). Algorithms developed to predict the effect of sequence changes on RNA splicing suggest that this variant may disrupt the consensus splice site. ClinVar contains an entry for this variant (Variation ID: 2005415). This variant has not been reported in the literature in individuals affected with POLR3B-related conditions. This sequence change falls in intron 17 of the POLR3B gene. It does not directly change the encoded amino acid sequence of the POLR3B protein. It affects a nucleotide within the consensus splice site.

Literature cited by the submitters: PubMed 17576681; PubMed 9536098.